The following is an entry in ClinVar:

ClinVar aggregate classification (germline): Uncertain significance (1 of 4 stars; one submission).

Submission:

Labcorp Genetics (formerly Invitae), Labcorp
Classification: Uncertain significance. Last evaluated: 2023-04-18. Review status: criteria provided, single submitter. Criteria: Invitae Variant Classification Sherloc (09022015). Collection method: clinical testing. Allele origin: germline.
Comment: This sequence change replaces glycine, which is neutral and non-polar, with arginine, which is basic and polar, at codon 290 of the FAM46A protein (p.Gly290Arg). This variant is not present in population databases (gnomAD no frequency). This variant has not been reported in the literature in individuals affected with FAM46A-related conditions. Advanced modeling of protein sequence and biophysical properties (such as structural, functional, and spatial information, amino acid conservation, physicochemical variation, residue mobility, and thermodynamic stability) has been performed at Invitae for this missense variant, however the output from this modeling did not meet the statistical confidence thresholds required to predict the impact of this variant on FAM46A protein function. In summary, the available evidence is currently insufficient to determine the role of this variant in disease. Therefore, it has been classified as a Variant of Uncertain Significance.

NM_017633.3(TENT5A):c.868G>C (p.Gly290Arg)

Gene: TENT5A (terminal nucleotidyltransferase 5A; minus strand). Cytogenetic location: 6q14.1.
Variant type: single nucleotide variant.
Coding change: c.868G>C on transcript NM_017633.3 (MANE Select); coding-DNA position 868, G replaced by C.
Protein change: p.Gly290Arg; replaces glycine 290 with arginine.
Molecular consequence: missense variant.
Genome position (GRCh38, 1-based): chr6:81,750,156, C>G on the plus strand (G>C on the coding strand, the complement: TENT5A is on the minus strand). VCF-style: chr6-81750156-C-G. GRCh37 (hg19) VCF-style: chr6-82459873-C-G.
Other names: short protein forms G290R.
Identifiers: ClinVar variation 2857236 (VCV002857236.3), dbSNP rs2481777872, ClinGen allele CA365032928.
Genomic context (GRCh38, chr6:81,750,156, plus strand): 5'-CATCAGAGGCGGGCCTAAAGCCCCTCACCAAGAGGTTGCAGTACTTAAGCAGGCCTCCCC[C>G]TCGGATTTCCTCTGGGTTCCTGGTGGCAATGATCTTGTTACAAAGGTGATCAAAGGCTTC-3'
Protein context (NP_060103.2, residues 280-300): IATRNPEEIR[Gly290Arg]GGLLKYCNLL